The following is an entry in ClinVar:

ClinVar aggregate classification (germline): Uncertain significance (1 of 4 stars; one submission).

Conditions:
Intellectual disability, autosomal dominant 11. Identifiers: MedGen C3280285, MONDO:0013658, OMIM 614257.

Submission:

OLLIN Analises Genomicas, OLLIN
Classification: Uncertain significance for Intellectual disability, autosomal dominant 11. Last evaluated: 2026-08-06. Review status: criteria provided, single submitter. Criteria: ACMG Guidelines 2015 PMID 25741868. Collection method: clinical testing. Allele origin: germline. Inheritance: Autosomal dominant inheritance.
Comment: This missense variant, located in exon 15 (of 22), is absent from gnomAD and ClinVar and has not been identified in the literature. In silico analysis predicts that this variant has a tolerated effect. According to the currently available evidence, this variant has been classified as uncertain significance (PM2_P, BP4).

NM_012156.2(EPB41L1):c.1718C>T (p.Pro573Leu)

Gene: EPB41L1 (erythrocyte membrane protein band 4.1 like 1; plus strand). Cytogenetic location: 20q11.23.
Variant type: single nucleotide variant.
Coding change: c.1718C>T on transcript NM_012156.2 (MANE Select); coding-DNA position 1718, C replaced by T.
Protein change: p.Pro573Leu; replaces proline 573 with leucine.
Molecular consequence: missense variant. On other transcripts: intron variant (20).
Genome position (GRCh38, 1-based): chr20:36,209,537, C>T. VCF-style: chr20-36209537-C-T. GRCh37 (hg19) VCF-style: chr20-34797459-C-T.
Other names: c.1718C>T, p.Pro573Leu (NM_001258329.1, NM_001424397.1); c.1496C>T, p.Pro499Leu (NM_001258331.2, NM_001424390.1, NM_001424393.1 and 4 more transcripts); c.1493C>T, p.Pro498Leu (NM_001424389.1, NM_001424391.1, NM_001424392.1); c.1679C>T, p.Pro560Leu (NM_001424395.1, NM_001424398.1, NM_001424399.1); c.1682C>T, p.Pro561Leu (NM_001424396.1, NM_001424400.1, NM_001424401.1); c.1715C>T, p.Pro572Leu (NM_001424402.1); c.3863C>T, p.Pro1288Leu (NM_001433605.1); c.1540-2735C>T (NM_001258330.1); and 6 more; short protein forms P572L, P1288L, P573L, P498L, P499L, P560L, P561L.
Identifiers: ClinVar variation 5002852 (VCV005002852.1).